The following is an entry in ClinVar:

ClinVar aggregate classification (germline): Likely benign (0 of 4 stars; one submission).

Conditions:
ARMC5-related disorder. Also called: ARMC5-related condition.

Submission:

PreventionGenetics, part of Exact Sciences
Classification: Likely benign for ARMC5-related condition. Last evaluated: 2022-02-17. Review status: no assertion criteria provided. Collection method: clinical testing. Allele origin: germline.
Comment: This variant is classified as likely benign based on ACMG/AMP sequence variant interpretation guidelines (Richards et al. 2015 PMID: 25741868, with internal and published modifications).

NM_001105247.2(ARMC5):c.1534GCC[4] (p.Ala514_Ile515insAla)

Gene: ARMC5 (armadillo repeat containing 5; plus strand). Cytogenetic location: 16p11.2.
Variant type: Microsatellite.
Coding change: c.1534GCC[4] on transcript NM_001105247.2 (MANE Select); four copies in a row of the 3-base unit GCC starting at c.1534; the reference has three copies in a row; one copy, 3 bases duplicated.
Protein change: p.Ala514_Ile515insAla.
Genome position (GRCh38, 1-based): chr16:31,464,563-31,464,565, GCC duplicated; duplicating any 3 consecutive bases within chr16:31,464,555-31,464,565 gives the same sequence; the position shown is the placement nearest the transcript's 3' end. VCF-style (leftmost placement, unchanged base first): chr16-31464554-C-CCCG. GRCh37 (hg19) VCF-style: chr16-31475875-C-CCCG.
Other names: c.1819GCC[4], p.Ala609_Ile610insAla (NM_001288767.2); c.1630GCC[4], p.Ala546_Ile547insAla (NM_001301820.1); c.1534GCC[4], p.Ala514_Ile515insAla (NM_024742.2).
Identifiers: ClinVar variation 3046153 (VCV003046153.2), dbSNP rs759644574, ClinGen allele CA8029716.